The following is an entry in ClinVar:

NM_000789.4(ACE):c.1021G>C (p.Glu341Gln)

Gene: ACE (angiotensin I converting enzyme; plus strand). Cytogenetic location: 17q23.3.
Variant type: single nucleotide variant.
Coding change: c.1021G>C on transcript NM_000789.4 (MANE Select); coding-DNA position 1021, G replaced by C.
Protein change: p.Glu341Gln; replaces glutamic acid 341 with glutamine.
Molecular consequence: missense variant. On other transcripts: intron variant (1).
Genome position (GRCh38, 1-based): chr17:63,481,641, G>C. VCF-style: chr17-63481641-G-C. GRCh37 (hg19) VCF-style: chr17-61559002-G-C.
Other names: c.169G>C, p.Glu57Gln (NM_001382701.1); c.472+453G>C (NM_001382700.1); short protein forms E341Q, E57Q.
Identifiers: ClinVar variation 3582452 (VCV003582452.3).
Genomic context (GRCh38, chr17:63,481,641, plus strand): 5'-CACATGTTCCGGGTGGCAGAGGAGTTCTTCACCTCCCTGGAGCTCTCCCCCATGCCTCCC[G>C]AGTTCTGGGAAGGGTCGATGCTGGAGAAGCCGGCCGACGGGCGGGAAGTGGTGTGCCACG-3'
Protein context (NP_000780.1, residues 331-351): TSLELSPMPP[Glu341Gln]FWEGSMLEKP

ClinVar aggregate classification (germline): Uncertain significance. Review status: criteria provided, multiple submitters, no conflicts (2 of 4 stars). 2 submissions from 2 submitters: Uncertain significance (2). Last evaluated 2024-05-09.

Conditions:
Renal tubular dysgenesis of genetic origin. Also called: PRIMITIVE RENAL TUBULE SYNDROME. Identifiers: Orphanet 97369, MedGen C5681536, MONDO:0009970, OMIM 267430.
Hemorrhage, intracerebral, susceptibility to (ICH). Also called: Stroke, hemorrhagic, susceptibility to. Identifiers: MedGen C3281105, MONDO:0100533, OMIM 614519.
Microvascular complications of diabetes, susceptibility to, 3. Identifiers: MedGen C2675470, MONDO:0012963, OMIM 612624.

gnomAD v4.1: 1 of 1,614,004 alleles (0.000062%); highest among the groups gnomAD compares: African/African-American, 0.0013%; no homozygotes.

Submissions (2):

Labcorp Genetics (formerly Invitae), Labcorp
Classification: Uncertain significance. Last evaluated: 2024-05-09. Review status: criteria provided, single submitter. Criteria: Invitae Variant Classification Sherloc (09022015). Collection method: clinical testing. Allele origin: germline.
Comment: This sequence change replaces glutamic acid, which is acidic and polar, with glutamine, which is neutral and polar, at codon 341 of the ACE protein (p.Glu341Gln). This variant is present in population databases (no rsID available, gnomAD 0.02%). This variant has not been reported in the literature in individuals affected with ACE-related conditions. Advanced modeling of protein sequence and biophysical properties (such as structural, functional, and spatial information, amino acid conservation, physicochemical variation, residue mobility, and thermodynamic stability) performed at Invitae indicates that this missense variant is not expected to disrupt ACE protein function with a negative predictive value of 80%. In summary, the available evidence is currently insufficient to determine the role of this variant in disease. Therefore, it has been classified as a Variant of Uncertain Significance.

Fulgent Genetics
Classification: Uncertain significance for Renal tubular dysgenesis of genetic origin; Microvascular complications of diabetes, susceptibility to, 3; Hemorrhage, intracerebral, susceptibility to. Last evaluated: 2024-01-31. Review status: criteria provided, single submitter. Criteria: ACMG Guidelines, 2015. Collection method: clinical testing. Allele origin: germline.